The following is an entry in ClinVar:

ClinVar aggregate classification (germline): Pathogenic/Likely pathogenic. Review status: criteria provided, multiple submitters, no conflicts (2 of 4 stars). 6 submissions from 6 submitters: Pathogenic (1); Likely pathogenic (4). 1 of the submissions does not count toward it. Last evaluated 2026-02-05.

Conditions:
PKD1-related disorder. Also called: PKD1-related condition.
Polycystic kidney disease, adult type (PKD1). Also called: Polycystic Kidney, Autosomal Dominant; Polycystic Kidney Disease 1, Autosomal Dominant; Polycystic kidney disease 1; Polycystic kidney disease 1, severe; POLYCYSTIC KIDNEY DISEASE 1 WITH OR WITHOUT POLYCYSTIC LIVER DISEASE; POLYCYSTIC KIDNEY DISEASE, ADULT, TYPE I. Identifiers: MedGen C3149841, MONDO:0008263, OMIM 173900.

Submissions (6):

Victorian Clinical Genetics Services, Murdoch Childrens Research Institute
Classification: Likely pathogenic for Polycystic kidney disease, adult type. Last evaluated: 2026-02-05. Review status: criteria provided, single submitter. Criteria: ACMG Guidelines, 2015. Collection method: clinical testing. Allele origin: germline. Affected: yes.
Comment: This variant is classified as Likely pathogenic. Evidence in support of pathogenic classification: In-frame deletion in a non-repetitive region that has high conservation; Variant is absent from gnomAD (v2, v3 and v4); This variant has strong previous evidence of pathogenicity in unrelated individuals. This variant has been classified as likely pathogenic and as a VUS by clinical laboratories in ClinVar. It has also been reported in the literature in two individuals with ADPKD and de novo in a fetus with polycystic kidney disease (PMIDs: 22383692, 17574468, 35478332). Additional information: This variant is heterozygous; This gene is associated with autosomal dominant disease. Polycystic kidney disease 1 (MIM#173900) is predominantly caused by monoallelic variants, with rare reports of biallelic variants causing disease (OMIM); No published functional evidence has been identified for this variant; No comparable deletion variants have previous evidence for pathogenicity; Variant is located in the annotated leucine rich repeat domain (DECIPHER); Loss of function is a known mechanism of disease in this gene and is associated with polycystic kidney disease 1 (MIM#173900); Inheritance information for this variant is not currently available in this individual.

Women's Health and Genetics/Laboratory Corporation of America, LabCorp
Classification: Pathogenic for Polycystic kidney disease, adult type. Last evaluated: 2025-10-27. Review status: criteria provided, single submitter. Criteria: LabCorp Variant Classification Summary - May 2015. Collection method: clinical testing. Allele origin: germline.
Comment: Variant summary: PKD1 c.303_305delCAA (p.Asn101del) results in an in-frame deletion that is predicted to remove 1 amino acid from the encoded protein. The frequency data for this variant in gnomAD is considered unreliable, as metrics indicate poor data quality at this position. c.303_305delCAA has been observed in the presumed heterozygous state in multiple individual(s) affected with autosomal dominant Polycystic Kidney Disease 1 (example, Yan_2022, Garcia-Gonzalez_2007, Seltzsam_2022, Benson_2021), including in least 1 individual who carried the variant de novo. These data indicate that the variant is likely to be associated with disease. To our knowledge, no experimental evidence demonstrating an impact on protein function has been reported. The following publications have been ascertained in the context of this evaluation (PMID: 36186434, 22383692, 17574468, 34906515, 33454723, 35478332). ClinVar contains an entry for this variant (Variation ID: 2443378). Based on the evidence outlined above, the variant was classified as pathogenic.

Fulgent Genetics
Classification: Likely pathogenic for Polycystic kidney disease, adult type. Last evaluated: 2024-06-21. Review status: criteria provided, single submitter. Criteria: ACMG Guidelines, 2015. Collection method: clinical testing. Allele origin: germline.

GeneDx
Classification: Likely pathogenic. Last evaluated: 2023-03-09. Review status: criteria provided, single submitter. Criteria: GeneDx Variant Classification Process June 2021. Collection method: clinical testing. Allele origin: germline. Affected: yes.
Comment: In-frame deletion of 1 amino acids in a non-repeat region; Not observed at significant frequency in large population cohorts (gnomAD); In silico analysis supports a deleterious effect on protein structure/function; This variant is associated with the following publications: (PMID: 22383692, 17574468, 35478332)

PreventionGenetics, part of Exact Sciences
Classification: Likely pathogenic for PKD1-related condition. Last evaluated: 2023-01-30. Review status: criteria provided, single submitter. Criteria: ACMG Guidelines, 2015. Collection method: clinical testing. Allele origin: germline.
Comment: The PKD1 c.303_305delCAA variant is predicted to result in an in-frame deletion (p.Asn101del). This variant was reported in an individual with polycystic kidney disease (reported as N101del at Garcia-Gonzalez et al. 2007. PubMed ID: 17574468). This variant has not been reported in a large population database, indicating this variant is rare. Of note, multiple different substitutions at the codon 101 have been reported in individuals with polycystic kidney disease, indicating that this residue is critical for the protein normal function (Mantovani et al. 2020. PubMed ID: 32457805, Suppl. Tables; Benson et al. 2021. PubMed ID: 33454723, Suppl. Table 3; Shi et al. 2020. PubMed ID: 33111320; Carrera et al. 2016. PubMed ID: 27499327, Suppl. Table S5). Moreover, small in-frame deletions in PKD1 have been commonly reported to be pathogenic for autosomal dominant polycystic kidney disease (ADPKD) (Human Gene Mutation Database). In summary, this variant is interpreted as likely pathogenic.

Department of Pathology and Laboratory Medicine, Sinai Health System
Classification: Uncertain significance for Polycystic kidney disease, adult type. Last evaluated: 2021-02-23. Review status: flagged submission. Criteria: ACMG Guidelines, 2015. Collection method: clinical testing. Allele origin: germline. Not counted in ClinVar's aggregate classification.
ClinVar note: Reason: Outlier claim with insufficient supporting evidence

Literature cited by the submitters: PubMed 35478332 (cited by Victorian Clinical Genetics Services, Murdoch Childrens Research Institute and Women's Health and Genetics/Laboratory Corporation of America, LabCorp); PubMed 22383692 (cited by 3 submitters); PubMed 17574468 (cited by 3 submitters); PubMed 33454723 (cited by Women's Health and Genetics/Laboratory Corporation of America, LabCorp); PubMed 34906515 (cited by Women's Health and Genetics/Laboratory Corporation of America, LabCorp); PubMed 36186434 (cited by Women's Health and Genetics/Laboratory Corporation of America, LabCorp).

NM_001009944.3(PKD1):c.297CAA[2] (p.Asn101del)

Gene: PKD1 (polycystin 1, transient receptor potential channel interacting; minus strand). Cytogenetic location: 16p13.3.
Variant type: Microsatellite.
Coding change: c.297CAA[2] on transcript NM_001009944.3 (MANE Select); two copies in a row of the 3-base unit CAA starting at c.297; the reference has three copies in a row; one copy, 3 bases deleted; also written c.303_305del.
Protein change: p.Asn101del; deletes asparagine 101.
Molecular consequence: inframe deletion. On other transcripts: inframe indel (2).
Genome position (GRCh38, 1-based): chr16:2,119,168-2,119,170, TTG deleted on the plus strand (CAA on the coding strand, the reverse complement: PKD1 is on the minus strand); deleting any 3 consecutive bases within chr16:2,119,168-2,119,176 gives the same sequence; the position shown is the placement nearest the transcript's 3' end. VCF-style (leftmost placement, unchanged base first): chr16-2119167-CTTG-C. GRCh37 (hg19) VCF-style: chr16-2169168-CTTG-C.
Other names: c.303_305del (NM_001009944.3, NM_001009944.2); c.303_305delCAA (NM_001009944.3); c.297CAA[2], p.Asn101del (NM_000296.4); c.297_299CAA[2], p.Asn101del (NM_001009944.2); short protein forms N101del.
Identifiers: ClinVar variation 2443378 (VCV002443378.8), dbSNP rs2544885084, ClinGen allele CA2575879367.